The following is an entry in ClinVar:

ClinVar aggregate classification (germline): Uncertain significance (1 of 4 stars; one submission).

Submission:

Labcorp Genetics (formerly Invitae), Labcorp
Classification: Uncertain significance. Last evaluated: 2025-01-06. Review status: criteria provided, single submitter. Criteria: Invitae Variant Classification Sherloc (09022015). Collection method: clinical testing. Allele origin: germline.
Comment: This sequence change replaces alanine, which is neutral and non-polar, with serine, which is neutral and polar, at codon 37 of the COL11A1 protein (p.Ala37Ser). This variant is not present in population databases (gnomAD no frequency). This variant has not been reported in the literature in individuals affected with COL11A1-related conditions. An algorithm developed to predict the effect of missense changes on protein structure and function (PolyPhen-2) suggests that this variant is likely to be disruptive. In summary, the available evidence is currently insufficient to determine the role of this variant in disease. Therefore, it has been classified as a Variant of Uncertain Significance.

NM_001854.4(COL11A1):c.109G>T (p.Ala37Ser)

Gene: COL11A1 (collagen type XI alpha 1 chain; minus strand). Cytogenetic location: 1p21.1.
Variant type: single nucleotide variant.
Coding change: c.109G>T on transcript NM_001854.4 (MANE Select); coding-DNA position 109, G replaced by T.
Protein change: p.Ala37Ser; replaces alanine 37 with serine.
Molecular consequence: missense variant. On other transcripts: non-coding transcript variant (1).
Genome position (GRCh38, 1-based): chr1:103,082,970, C>A on the plus strand (G>T on the coding strand, the complement: COL11A1 is on the minus strand). VCF-style: chr1-103082970-C-A. GRCh37 (hg19) VCF-style: chr1-103548526-C-A.
Other names: c.109G>T, p.Ala37Ser (NM_080629.3, NM_080630.4, NM_001190709.2); short protein forms A37S.
Identifiers: ClinVar variation 3680997 (VCV003680997.2).
Genomic context (GRCh38, chr1:103,082,970, plus strand): 5'-TTTTTGATATTCCCTCTGGAGAATTGTGAAAATCTAGTGCTTTTAGTACATCAACTGGAG[C>A]AGCTGAAAAATAAGCAAACAATAAAAAACCAGAATTGAACAACGATCTGATATAACAATG-3'
Protein context (NP_001845.3, residues 27-47): LFQAREVRGA[Ala37Ser]PVDVLKALDF